The following is an entry in ClinVar:

NM_024422.6(DSC2):c.155-3C>T

Gene: DSC2 (desmocollin 2; minus strand). Cytogenetic location: 18q12.1.
Variant type: single nucleotide variant.
Coding change: c.155-3C>T on transcript NM_024422.6 (MANE Select); 3 bases into the intron before coding-DNA position 155, C replaced by T.
Molecular consequence: intron variant.
Genome position (GRCh38, 1-based): chr18:31,092,303, G>A on the plus strand (C>T on the coding strand, the complement: DSC2 is on the minus strand). VCF-style: chr18-31092303-G-A. GRCh37 (hg19) VCF-style: chr18-28672266-G-A.
Other names: c.155-3C>T (NM_004949.5).
Identifiers: ClinVar variation 660193 (VCV000660193.8), dbSNP rs745988877, ClinGen allele CA032182.

ClinVar aggregate classification (germline): Conflicting classifications of pathogenicity. Review status: criteria provided, conflicting classifications (1 of 4 stars). 2 submissions from 2 submitters: Uncertain significance (1); Likely benign (1). Last evaluated 2024-04-30.

Conditions:
Cardiomyopathy (CMYO). Also called: Cardiomyopathies. Identifiers: Orphanet 167848, MedGen C0878544, MONDO:0004994, HP:0001638. Inheritance: Various modes of inheritance.
Arrhythmogenic right ventricular dysplasia 11. Also called: Arrhythmogenic right ventricular dysplasia 11 with mild palmoplantar keratoderma and woolly hair; Arrhythmogenic Right Ventricular Dysplasia/Cardiomyopathy11; ARRHYTHMOGENIC RIGHT VENTRICULAR DYSPLASIA, FAMILIAL, 11. Identifiers: MedGen C1864850, MONDO:0012506, OMIM 610476.

Allele frequency attached by ClinVar (database versions not stated): gnomAD exomes below 0.00001 and 0.00001; ExAC 0.00001; gnomAD 0.00001.
gnomAD v4.1: 11 of 1,611,524 alleles (0.00068%); highest among the groups gnomAD compares: Admixed American, 0.0033%; no homozygotes.

Submissions (2):

Labcorp Genetics (formerly Invitae), Labcorp
Classification: Uncertain significance for Arrhythmogenic right ventricular dysplasia 11. Last evaluated: 2024-04-30. Review status: criteria provided, single submitter. Criteria: Invitae Variant Classification Sherloc (09022015). Collection method: clinical testing. Allele origin: germline.
Comment: This sequence change falls in intron 2 of the DSC2 gene. It does not directly change the encoded amino acid sequence of the DSC2 protein. It affects a nucleotide within the consensus splice site. This variant is present in population databases (rs745988877, gnomAD 0.0009%). This variant has not been reported in the literature in individuals affected with DSC2-related conditions. ClinVar contains an entry for this variant (Variation ID: 660193). Variants that disrupt the consensus splice site are a relatively common cause of aberrant splicing (PMID: 17576681, 9536098). Algorithms developed to predict the effect of sequence changes on RNA splicing suggest that this variant may disrupt the consensus splice site. In summary, the available evidence is currently insufficient to determine the role of this variant in disease. Therefore, it has been classified as a Variant of Uncertain Significance.

Color Diagnostics, LLC DBA Color Health
Classification: Likely benign for Cardiomyopathy. Last evaluated: 2019-07-27. Review status: criteria provided, single submitter. Criteria: ACMG Guidelines, 2015. Collection method: clinical testing. Allele origin: germline.

Literature cited by the submitters: PubMed 17576681 (cited by Labcorp Genetics (formerly Invitae), Labcorp); PubMed 9536098 (cited by Labcorp Genetics (formerly Invitae), Labcorp).